The following is an entry in ClinVar:

NM_001127511.3(APC):c.166-28533G>T

Gene: APC (APC regulator of Wnt signaling pathway; plus strand). Cytogenetic location: 5q22.2.
Variant type: single nucleotide variant.
Coding change: c.166-28533G>T on transcript NM_001127511.3; 28533 bases into the intron before coding-DNA position 166, G replaced by T.
Molecular consequence: intron variant.
Genome position (GRCh38, 1-based): chr5:112,737,793, G>T. VCF-style: chr5-112737793-G-T. GRCh37 (hg19) VCF-style: chr5-112073490-G-T.
Other names: c.-1053-17080G>T (NM_001407470.1, NM_001407472.1); c.-18-17080G>T (NM_001407447.1, NM_001354895.2, NM_001407456.1 and 7 more transcripts); c.166-28533G>T (NM_001407446.1, NM_001354897.2, NM_001354902.2); c.-42-28533G>T (NM_001407453.1).
Identifiers: ClinVar variation 3045615 (VCV003045615.3), dbSNP rs924105261, ClinGen allele CA124951779.

ClinVar aggregate classification (germline): Likely benign. Review status: criteria provided, single submitter (1 of 4 stars). 2 submissions from 2 submitters: Likely benign (1). 1 of the submissions does not count toward it. Last evaluated 2024-11-20.

Conditions:
APC-related disorder. Also called: APC-related condition.

Allele frequency attached by ClinVar (database versions not stated): gnomAD 0.00014.
gnomAD v4.1: 36 of 962,620 alleles (0.0037%); highest among the groups gnomAD compares: Non-Finnish European, 0.0037%; no homozygotes.

Submissions (2):

Blueprint Genetics
Classification: Likely benign. Last evaluated: 2024-11-20. Review status: criteria provided, single submitter. Criteria: ACMG Guidelines, 2015. Collection method: clinical testing. Allele origin: germline.

PreventionGenetics, part of Exact Sciences
Classification: Likely benign for APC-related condition. Last evaluated: 2020-03-10. Review status: no assertion criteria provided. Collection method: clinical testing. Allele origin: germline. Not counted in ClinVar's aggregate classification.
Comment: This variant is classified as likely benign based on ACMG/AMP sequence variant interpretation guidelines (Richards et al. 2015 PMID: 25741868, with internal and published modifications).